The following is an entry in ClinVar:

NM_000268.4(NF2):c.1114G>A (p.Glu372Lys)

Gene: NF2 (NF2, moesin-ezrin-radixin like (MERLIN) tumor suppressor; plus strand). Cytogenetic location: 22q12.2.
Variant type: single nucleotide variant.
Coding change: c.1114G>A on transcript NM_000268.4 (MANE Select); coding-DNA position 1114, G replaced by A.
Protein change: p.Glu372Lys; replaces glutamic acid 372 with lysine.
Molecular consequence: missense variant. On other transcripts: intron variant (1).
Genome position (GRCh38, 1-based): chr22:29,671,940, G>A. VCF-style: chr22-29671940-G-A. GRCh37 (hg19) VCF-style: chr22-30067929-G-A.
Other names: c.1000G>A, p.Glu334Lys (NM_001407053.1, NM_001407056.1); c.991G>A, p.Glu331Lys (NM_001407054.1, NM_001407058.1, NM_181829.3); c.988G>A, p.Glu330Lys (NM_001407055.1, NM_181828.3); c.979G>A, p.Glu327Lys (NM_001407057.1, NM_001407059.1); c.1114G>A, p.Glu372Lys (NM_001407060.1, NM_001407066.1, NM_016418.5 and 2 more transcripts); c.856G>A, p.Glu286Lys (NM_001407062.1); c.865G>A, p.Glu289Lys (NM_001407063.1, NM_001407064.1, NM_181830.3 and 1 more transcripts); c.580G>A, p.Glu194Lys (NM_001407065.1); and 2 more; short protein forms E295K, E330K, E331K, E334K, E372K, E286K, E194K, E327K.
Identifiers: ClinVar variation 3695981 (VCV003695981.3).

ClinVar aggregate classification (germline): Uncertain significance. Review status: criteria provided, multiple submitters, no conflicts (2 of 4 stars). 2 submissions from 2 submitters: Uncertain significance (2). Last evaluated 2025-06-30.

Conditions:
Hereditary cancer-predisposing syndrome. Also called: Neoplastic Syndromes, Hereditary; Tumor predisposition; Hereditary Cancer Syndrome; Hereditary neoplastic syndrome. Identifiers: Orphanet 140162, MedGen C0027672, MeSH D009386, MONDO:0015356.
Neurofibromatosis, type 2 (SWNV). Also called: BILATERAL ACOUSTIC NEUROFIBROMATOSIS; SCHWANNOMATOSIS, VESTIBULAR; NF2-Related Schwannomatosis. Identifiers: Orphanet 637, MedGen C0027832, MONDO:0007039, OMIM 101000. Disease mechanism: loss of function.

Submissions (2):

Ambry Genetics
Classification: Uncertain significance for Hereditary cancer-predisposing syndrome. Last evaluated: 2025-06-30. Review status: criteria provided, single submitter. Criteria: Ambry Variant Classification Scheme 2023. Collection method: clinical testing. Allele origin: germline.
Comment: The p.E372K variant (also known as c.1114G>A), located in coding exon 11 of the NF2 gene, results from a G to A substitution at nucleotide position 1114. The glutamic acid at codon 372 is replaced by lysine, an amino acid with similar properties. This amino acid position is well conserved in available vertebrate species. In addition, the in silico prediction for this alteration is inconclusive. Based on the available evidence, the clinical significance of this variant remains unclear.

Labcorp Genetics (formerly Invitae), Labcorp
Classification: Uncertain significance for Neurofibromatosis, type 2. Last evaluated: 2025-06-11. Review status: criteria provided, single submitter. Criteria: Invitae Variant Classification Sherloc (09022015). Collection method: clinical testing. Allele origin: germline.
Comment: This sequence change replaces glutamic acid, which is acidic and polar, with lysine, which is basic and polar, at codon 372 of the NF2 protein (p.Glu372Lys). This variant is not present in population databases (gnomAD no frequency). This variant has not been reported in the literature in individuals affected with NF2-related conditions. ClinVar contains an entry for this variant (Variation ID: 3695981). Invitae Evidence Modeling of protein sequence and biophysical properties (such as structural, functional, and spatial information, amino acid conservation, physicochemical variation, residue mobility, and thermodynamic stability) indicates that this missense variant is expected to disrupt NF2 protein function with a positive predictive value of 80%. In summary, the available evidence is currently insufficient to determine the role of this variant in disease. Therefore, it has been classified as a Variant of Uncertain Significance.